The following is an entry in ClinVar:

NM_000525.4(KCNJ11):c.309C>A (p.Ser103Arg)

Gene: KCNJ11 (potassium inwardly rectifying channel subfamily J member 11; minus strand). Cytogenetic location: 11p15.1.
Variant type: single nucleotide variant.
Coding change: c.309C>A on transcript NM_000525.4 (MANE Select); coding-DNA position 309, C replaced by A.
Protein change: p.Ser103Arg; replaces serine 103 with arginine.
Molecular consequence: missense variant.
Genome position (GRCh38, 1-based): chr11:17,387,783, G>T on the plus strand (C>A on the coding strand, the complement: KCNJ11 is on the minus strand). VCF-style: chr11-17387783-G-T. GRCh37 (hg19) VCF-style: chr11-17409330-G-T.
Other names: c.48C>A, p.Ser16Arg (NM_001166290.2, NM_001377296.1, NM_001377297.1); short protein forms S103R, S16R.
Identifiers: ClinVar variation 989944 (VCV000989944.2), dbSNP rs376773562, ClinGen allele CA5902305.
Genomic context (GRCh38, chr11:17,387,783, plus strand): 5'-GAAAAGGAAGGCAGACGAGAAGGAGTGGATGCTGGTGACACAGGGCTCAGCAGTGCCCTC[G>T]CTGGGGGCCAGGTCACCGTGGGCGAAGGCGATGAGCCACCAGGCCATGGCGAAGAGCAGC-3'
Protein context (NP_000516.3, residues 93-113): IAFAHGDLAP[Ser103Arg]EGTAEPCVTS

ClinVar aggregate classification (germline): Uncertain significance. Review status: criteria provided, single submitter (1 of 4 stars). 2 submissions from 2 submitters: Uncertain significance (1). 1 of the submissions does not count toward it.

Conditions:
Permanent neonatal diabetes mellitus (PNDM). Identifiers: Orphanet 99885, MedGen C1833104, MONDO:0100164, MONDO:0011643. Disease mechanism: gain of function.
Maturity-onset diabetes of the young (MODY). Also called: Maturity onset diabetes mellitus in young. Identifiers: Orphanet 552, MedGen C0342276, MONDO:0018911, HP:0004904.

Allele frequency attached by ClinVar (database versions not stated): TOPMed 0.00002; ESP Exome Variant Server 0.00008.

Submissions (2):

Clinical Genomics, Uppaluri K&H Personalized Medicine Clinic
Classification: Uncertain significance for Maturity-onset diabetes of the young. Review status: criteria provided, single submitter. Criteria: K&H Uppaluri Personalized Medicine Clinic Variant Classification & Assertion Criteria. Collection method: research. Allele origin: somatic. Inheritance: Autosomal dominant inheritance.
Comment: Mutations in KCNJ11 gene can cause decreased production and secretion of insulin. This can lead to MODY which may be responsive to oral sulfonylureas. It is also associated with Neonatal Diabetes. However, no sufficient evidence is found to ascertain the role of rs376773562 variant in MODY yet.

Natera, Inc.
Classification: Uncertain significance for Permanent neonatal diabetes mellitus. Last evaluated: 2020-08-28. Review status: no assertion criteria provided. Collection method: clinical testing. Allele origin: germline. Not counted in ClinVar's aggregate classification.

Literature cited by the submitters: PubMed 26448950 (cited by Clinical Genomics, Uppaluri K&H Personalized Medicine Clinic); PubMed 15580558 (cited by Clinical Genomics, Uppaluri K&H Personalized Medicine Clinic); PubMed 15718250 (cited by Clinical Genomics, Uppaluri K&H Personalized Medicine Clinic).